The following is an entry in ClinVar:

NM_000489.6(ATRX):c.2191T>C (p.Ser731Pro)

Gene: ATRX (ATRX chromatin remodeler; minus strand). Cytogenetic location: Xq21.1.
Variant type: single nucleotide variant.
Coding change: c.2191T>C on transcript NM_000489.6 (MANE Select); coding-DNA position 2191, T replaced by C.
Protein change: p.Ser731Pro; replaces serine 731 with proline.
Molecular consequence: missense variant.
Genome position (GRCh38, 1-based): chrX:77,683,065, A>G on the plus strand (T>C on the coding strand, the complement: ATRX is on the minus strand). VCF-style: chrX-77683065-A-G. GRCh37 (hg19) VCF-style: chrX-76938557-A-G.
Other names: c.2077T>C, p.Ser693Pro (NM_138270.5); c.2191T>C (NM_000489.3); short protein forms S693P, S731P.
Identifiers: ClinVar variation 1422416 (VCV001422416.10), dbSNP rs2071340254, ClinGen allele CA413712988.

ClinVar aggregate classification (germline): Uncertain significance. Review status: criteria provided, multiple submitters, no conflicts (2 of 4 stars). 3 submissions from 3 submitters: Uncertain significance (3). Last evaluated 2025-07-27.

Conditions:
Alpha thalassemia-X-linked intellectual disability syndrome (ATRX). Also called: ATR-X syndrome; Alpha thalassemia mental retardation syndrome, nondeletion type, X-linked; XLMR hypotonic face syndrome; X-linked alpha-thalassemia-mental retardation syndrome; ALPHA-THALASSEMIA/IMPAIRED INTELLECTUAL DEVELOPMENT SYNDROME, X-LINKED; ALPHA-THALASSEMIA/MENTAL RETARDATION SYNDROME, X-LINKED. Identifiers: Orphanet 847, MedGen C1845055, MONDO:0010519, OMIM 301040.

Allele frequency attached by ClinVar (database versions not stated): TOPMed 0.00001; gnomAD exomes 0.00002.
gnomAD v4.1: 18 of 1,210,790 alleles (0.0015%); highest among the groups gnomAD compares: Non-Finnish European, 0.002%; no homozygotes.

Submissions (3):

Labcorp Genetics (formerly Invitae), Labcorp
Classification: Uncertain significance for Alpha thalassemia-X-linked intellectual disability syndrome. Last evaluated: 2025-07-27. Review status: criteria provided, single submitter. Criteria: Invitae Variant Classification Sherloc (09022015). Collection method: clinical testing. Allele origin: germline.
Comment: This sequence change replaces serine, which is neutral and polar, with proline, which is neutral and non-polar, at codon 731 of the ATRX protein (p.Ser731Pro). This variant is not present in population databases (gnomAD no frequency). This variant has not been reported in the literature in individuals affected with ATRX-related conditions. ClinVar contains an entry for this variant (Variation ID: 1422416). Invitae Evidence Modeling of protein sequence and biophysical properties (such as structural, functional, and spatial information, amino acid conservation, physicochemical variation, residue mobility, and thermodynamic stability) indicates that this missense variant is not expected to disrupt ATRX protein function with a negative predictive value of 95%. In summary, the available evidence is currently insufficient to determine the role of this variant in disease. Therefore, it has been classified as a Variant of Uncertain Significance.

GeneDx
Classification: Uncertain significance. Last evaluated: 2023-05-22. Review status: criteria provided, single submitter. Criteria: GeneDx Variant Classification Process June 2021. Collection method: clinical testing. Allele origin: germline. Affected: yes.
Comment: Not observed at significant frequency in large population cohorts (gnomAD); In silico analysis supports that this missense variant does not alter protein structure/function; Has not been previously published as pathogenic or benign to our knowledge

Blueprint Genetics
Classification: Uncertain significance. Last evaluated: 2021-04-07. Review status: criteria provided, single submitter. Criteria: ACMG Guidelines, 2015. Collection method: clinical testing. Allele origin: germline.